The following is an entry in ClinVar:

ClinVar aggregate classification (germline): Likely pathogenic (1 of 4 stars; one submission).

Conditions:
Exostoses, multiple, type 1 (EXT1). Also called: Hereditary Multiple Osteochondromatosis, Type I; EXOSTOSES, MULTIPLE, TYPE I. Identifiers: MedGen CN263289, MONDO:0007585, OMIM 133700.
Chondrosarcoma. Also called: Chondrosarcoma, somatic. Identifiers: Orphanet 55880, MedGen C0008479, MONDO:0008977, OMIM 215300, HP:0006765.

Submission:

Juno Genomics, Hangzhou Juno Genomics, Inc
Classification: Likely pathogenic for Chondrosarcoma; Exostoses, multiple, type 1. Review status: criteria provided, single submitter. Criteria: ACMG Guidelines, 2015. Collection method: clinical testing. Allele origin: germline.
Comment: Null variant in a gene where loss of function (LOF) is a known mechanism of disease.;Absent from controls (or at extremely low frequency if recessive) in Genome Aggregation Database.

NM_000127.3(EXT1):c.289A>T (p.Lys97Ter)

Gene: EXT1 (exostosin glycosyltransferase 1; minus strand). Cytogenetic location: 8q24.11.
Variant type: single nucleotide variant.
Coding change: c.289A>T on transcript NM_000127.3 (MANE Select); coding-DNA position 289, A replaced by T.
Protein change: p.Lys97Ter; replaces lysine 97 with a stop codon.
Molecular consequence: nonsense.
Genome position (GRCh38, 1-based): chr8:118,110,758, T>A on the plus strand (A>T on the coding strand, the complement: EXT1 is on the minus strand). VCF-style: chr8-118110758-T-A. GRCh37 (hg19) VCF-style: chr8-119122997-T-A.
Other names: short protein forms K97*.
Identifiers: ClinVar variation 5007268 (VCV005007268.2).
Genomic context (GRCh38, chr8:118,110,758, plus strand): 5'-AGACTTTGAAGCCGTTTTTCTTGCAAAGGGTGAAATCGAAGCAGGACTCCATGCGGCACT[T>A]CTTGCCTTTGTAGATGCTGGAGTTGGCATCTCGCTTCTGCCGGGGGGAAATGTGCACGCT-3'